The following is an entry in ClinVar:

ClinVar aggregate classification (germline): Uncertain significance (1 of 4 stars; one submission).

gnomAD v4.1: 5 of 1,613,980 alleles (0.00031%); highest among the groups gnomAD compares: South Asian, 0.0022%; no homozygotes.

Submission:

Women's Health and Genetics/Laboratory Corporation of America, LabCorp
Classification: Uncertain significance. Last evaluated: 2025-03-21. Review status: criteria provided, single submitter. Criteria: LabCorp Variant Classification Summary - May 2015. Collection method: clinical testing. Allele origin: germline.
Comment: Variant summary: SH3TC2 c.2295A>C (p.Lys765Asn) results in a non-conservative amino acid change in the encoded protein sequence. Three of five in-silico tools predict a benign effect of the variant on protein function. The variant allele was found at a frequency of 8e-06 in 251352 control chromosomes. The available data on variant occurrences in the general population are insufficient to allow any conclusion about variant significance. To our knowledge, no occurrence of c.2295A>C in individuals affected with Charcot-Marie-Tooth disease type 4C and no experimental evidence demonstrating its impact on protein function have been reported. No submitters have cited clinical-significance assessments for this variant to ClinVar. Based on the evidence outlined above, the variant was classified as uncertain significance.

NM_024577.4(SH3TC2):c.2295A>C (p.Lys765Asn)

Gene: SH3TC2 (SH3 domain and tetratricopeptide repeats 2; minus strand). Cytogenetic location: 5q32.
Variant type: single nucleotide variant.
Coding change: c.2295A>C on transcript NM_024577.4 (MANE Select); coding-DNA position 2295, A replaced by C.
Protein change: p.Lys765Asn; replaces lysine 765 with asparagine.
Molecular consequence: missense variant.
Genome position (GRCh38, 1-based): chr5:149,027,437, T>G on the plus strand (A>C on the coding strand, the complement: SH3TC2 is on the minus strand). VCF-style: chr5-149027437-T-G. GRCh37 (hg19) VCF-style: chr5-148407000-T-G.
Other names: short protein forms K765N.
Identifiers: ClinVar variation 3896023 (VCV003896023.1).